The following is an entry in ClinVar:

ClinVar aggregate classification (germline): Uncertain significance (1 of 4 stars; one submission).

Conditions:
MEGF10-related myopathy (CMYO10A). Also called: Congenital myopathy 10A, severe variant. Identifiers: Orphanet 439212, MedGen C3280679, MONDO:0013731, OMIM 614399.

Submission:

Labcorp Genetics (formerly Invitae), Labcorp
Classification: Uncertain significance for MEGF10-related myopathy. Last evaluated: 2022-04-28. Review status: criteria provided, single submitter. Criteria: Invitae Variant Classification Sherloc (09022015). Collection method: clinical testing. Allele origin: germline.
Comment: In summary, the available evidence is currently insufficient to determine the role of this variant in disease. Therefore, it has been classified as a Variant of Uncertain Significance. Algorithms developed to predict the effect of missense changes on protein structure and function are either unavailable or do not agree on the potential impact of this missense change (SIFT: "Deleterious"; PolyPhen-2: "Benign"; Align-GVGD: "Class C0"). This variant has not been reported in the literature in individuals affected with MEGF10-related conditions. This variant is not present in population databases (gnomAD no frequency). This sequence change replaces alanine, which is neutral and non-polar, with threonine, which is neutral and polar, at codon 892 of the MEGF10 protein (p.Ala892Thr).

NM_001256545.2(MEGF10):c.2674G>A (p.Ala892Thr)

Gene: MEGF10 (multiple EGF like domains 10; plus strand). Cytogenetic location: 5q23.2.
Variant type: single nucleotide variant.
Coding change: c.2674G>A on transcript NM_001256545.2 (MANE Select); coding-DNA position 2674, G replaced by A.
Protein change: p.Ala892Thr; replaces alanine 892 with threonine.
Molecular consequence: missense variant.
Genome position (GRCh38, 1-based): chr5:127,445,639, G>A. VCF-style: chr5-127445639-G-A. GRCh37 (hg19) VCF-style: chr5-126781331-G-A.
Other names: c.2674G>A, p.Ala892Thr (NM_032446.3); short protein forms A892T.
Identifiers: ClinVar variation 2131304 (VCV002131304.4), dbSNP rs367670148, ClinGen allele CA360734909.